The following is an entry in ClinVar:

NM_000219.6(KCNE1):c.51G>C (p.Trp17Cys)

Gene: KCNE1 (potassium voltage-gated channel subfamily E regulatory subunit 1; minus strand). Cytogenetic location: 21q22.12.
Variant type: single nucleotide variant.
Coding change: c.51G>C on transcript NM_000219.6 (MANE Select); coding-DNA position 51, G replaced by C.
Protein change: p.Trp17Cys; replaces tryptophan 17 with cysteine.
Molecular consequence: missense variant.
Genome position (GRCh38, 1-based): chr21:34,449,584, C>G on the plus strand (G>C on the coding strand, the complement: KCNE1 is on the minus strand). VCF-style: chr21-34449584-C-G. GRCh37 (hg19) VCF-style: chr21-35821882-C-G.
Other names: c.51G>C, p.Trp17Cys (NM_001127668.4, NM_001127669.4, NM_001127670.4 and 4 more transcripts); short protein forms W17C.
Identifiers: ClinVar variation 3373910 (VCV003373910.2).

Conditions:
Long QT syndrome 5 (LQT5). Identifiers: Orphanet 101016, Orphanet 768, MedGen C1867904, MONDO:0013372, OMIM 613695.

Submission:

Roden Lab, Vanderbilt University Medical Center
No classification provided (evidence only). Condition: Long QT syndrome 5. Review status: no classification provided. Collection method: in vitro. Allele origin: not applicable. Functional consequence: Effect on ion channel function.
ClinVar note: "not provided" was previously submitted as the classification for the variant. However, the classification appeared to be based only on an observation of functional data so it was converted to no classification on 2025-07-30.